The following is an entry in ClinVar:

ClinVar aggregate classification (germline): Uncertain significance. Review status: criteria provided, multiple submitters, no conflicts (2 of 4 stars). 3 submissions from 3 submitters: Uncertain significance (3). Last evaluated 2024-12-14.

Conditions:
Inborn genetic diseases. Identifiers: MedGen C0950123, MeSH D030342.
Apparent mineralocorticoid excess (AME). Also called: CORTISOL 11-BETA-KETOREDUCTASE DEFICIENCY. Identifiers: Orphanet 320, MedGen C0342488, MONDO:0009025, OMIM 218030.

Allele frequency attached by ClinVar (database versions not stated): ExAC 0.00003; gnomAD 0.00003; gnomAD exomes 0.00003 and 0.00004; TOPMed 0.00005.
gnomAD v4.1: 63 of 1,614,106 alleles (0.0039%); highest among the groups gnomAD compares: Non-Finnish European, 0.0046%; no homozygotes.

Submissions (3):

Ambry Genetics
Classification: Uncertain significance for Inborn genetic diseases. Last evaluated: 2024-12-14. Review status: criteria provided, single submitter. Criteria: Ambry Variant Classification Scheme 2023. Collection method: clinical testing. Allele origin: germline.

Fulgent Genetics
Classification: Uncertain significance for Apparent mineralocorticoid excess. Last evaluated: 2021-11-30. Review status: criteria provided, single submitter. Criteria: ACMG Guidelines, 2015. Collection method: clinical testing. Allele origin: unknown.

Labcorp Genetics (formerly Invitae), Labcorp
Classification: Uncertain significance. Last evaluated: 2021-11-18. Review status: criteria provided, single submitter. Criteria: Invitae Variant Classification Sherloc (09022015). Collection method: clinical testing. Allele origin: germline.
Comment: This sequence change replaces arginine, which is basic and polar, with histidine, which is basic and polar, at codon 312 of the HSD11B2 protein (p.Arg312His). This variant is present in population databases (rs766239000, gnomAD 0.006%). This variant has not been reported in the literature in individuals affected with HSD11B2-related conditions. Algorithms developed to predict the effect of missense changes on protein structure and function (SIFT, PolyPhen-2, Align-GVGD) all suggest that this variant is likely to be tolerated. In summary, the available evidence is currently insufficient to determine the role of this variant in disease. Therefore, it has been classified as a Variant of Uncertain Significance.

NM_000196.4(HSD11B2):c.935G>A (p.Arg312His)

Gene: HSD11B2 (hydroxysteroid 11-beta dehydrogenase 2; plus strand). Cytogenetic location: 16q22.1.
Variant type: single nucleotide variant.
Coding change: c.935G>A on transcript NM_000196.4 (MANE Select); coding-DNA position 935, G replaced by A.
Protein change: p.Arg312His; replaces arginine 312 with histidine.
Molecular consequence: missense variant.
Genome position (GRCh38, 1-based): chr16:67,436,720, G>A. VCF-style: chr16-67436720-G-A. GRCh37 (hg19) VCF-style: chr16-67470623-G-A.
Other names: c.935G>A (NM_000196.3); short protein forms R312H.
Identifiers: ClinVar variation 1486263 (VCV001486263.8), dbSNP rs766239000, ClinGen allele CA8110783.
Genomic context (GRCh38, chr16:67,436,720, plus strand): 5'-TGCAGGCCTACGGCAAGGACTACATCGAGCACTTGCATGGGCAGTTCCTGCACTCGCTAC[G>A]CCTGGCCATGTCCGACCTCACCCCAGTTGTAGATGCCATCACAGATGCGCTGCTGGCAGC-3'
Protein context (NP_000187.3, residues 302-322): HLHGQFLHSL[Arg312His]LAMSDLTPVV